The following is an entry in ClinVar:

ClinVar aggregate classification (germline): Uncertain significance (1 of 4 stars; one submission).

Conditions:
Tumor predisposition syndrome 3 (TPDS3). Also called: Melanoma, cutaneous malignant, susceptibility to, 10; Glioma susceptibility 9; LONG TELOMERE SYNDROME, POT1-RELATED; POT1 Tumor Predisposition. Identifiers: Orphanet 618, MedGen C4014476, MONDO:0014368, OMIM 615848.

Submission:

Labcorp Genetics (formerly Invitae), Labcorp
Classification: Uncertain significance for Tumor predisposition syndrome 3. Last evaluated: 2019-11-08. Review status: criteria provided, single submitter. Criteria: Invitae Variant Classification Sherloc (09022015). Collection method: clinical testing. Allele origin: germline.
Comment: This variant has not been reported in the literature in individuals with POT1-related conditions. Algorithms developed to predict the effect of missense changes on protein structure and function are either unavailable or do not agree on the potential impact of this missense change (SIFT: "Deleterious"; PolyPhen-2: "Probably Damaging"; Align-GVGD: "Class C0"). In summary, the available evidence is currently insufficient to determine the role of this variant in disease. Therefore, it has been classified as a Variant of Uncertain Significance. This variant is not present in population databases (ExAC no frequency). This sequence change replaces cysteine with glycine at codon 44 of the POT1 protein (p.Cys44Gly). The cysteine residue is highly conserved and there is a large physicochemical difference between cysteine and glycine.

NM_015450.3(POT1):c.130T>G (p.Cys44Gly)

Gene: POT1 (protection of telomeres 1; minus strand). Cytogenetic location: 7q31.33.
Variant type: single nucleotide variant.
Coding change: c.130T>G on transcript NM_015450.3 (MANE Select); coding-DNA position 130, T replaced by G.
Protein change: p.Cys44Gly; replaces cysteine 44 with glycine.
Molecular consequence: missense variant. On other transcripts: non-coding transcript variant (3), intron variant (1).
Genome position (GRCh38, 1-based): chr7:124,871,036, A>C on the plus strand (T>G on the coding strand, the complement: POT1 is on the minus strand). VCF-style: chr7-124871036-A-C. GRCh37 (hg19) VCF-style: chr7-124511090-A-C.
Other names: c.-138-7396T>G (NM_001042594.2); short protein forms C44G.
Identifiers: ClinVar variation 854556 (VCV000854556.10), dbSNP rs1795856016, ClinGen allele CA369061722.